The following is an entry in ClinVar:

NM_000257.4(MYH7):c.3621C>T (p.Ile1207=)

Gene: MYH7 (myosin heavy chain 7; minus strand). Cytogenetic location: 14q11.2.
Variant type: single nucleotide variant.
Coding change: c.3621C>T on transcript NM_000257.4 (MANE Select); coding-DNA position 3621, C replaced by T.
Protein change: p.Ile1207=; no amino-acid change (isoleucine 1207 retained).
Molecular consequence: synonymous variant.
Genome position (GRCh38, 1-based): chr14:23,419,950, G>A on the plus strand (C>T on the coding strand, the complement: MYH7 is on the minus strand). VCF-style: chr14-23419950-G-A. GRCh37 (hg19) VCF-style: chr14-23889159-G-A.
Other names: p.I1207I:ATC>ATT; c.3621C>T (LRG_384t1).
Identifiers: ClinVar variation 138380 (VCV000138380.25), dbSNP rs529700838, ClinGen allele CA013881.

ClinVar aggregate classification (germline): Conflicting classifications of pathogenicity. Review status: criteria provided, conflicting classifications (1 of 4 stars). 11 submissions from 9 submitters: Uncertain significance (2); Benign (2); Likely benign (7). Last evaluated 2025-12-09.

Conditions:
Cardiovascular phenotype. Identifiers: MedGen CN230736.
Myosin storage myopathy (CMYO7A). Also called: MYOPATHY WITH LYSIS OF TYPE I MYOFIBRILS; MYOPATHY, HYALINE BODY, AUTOSOMAL DOMINANT; MYH7-related late-onset scapuloperoneal muscular dystrophy; Congenital myopathy 7A, myosin storage, autosomal dominant; Scapuloperoneal myopathy, MYH7-related; SCAPULOPERONEAL MUSCULAR DYSTROPHY. Identifiers: Orphanet 437572, Orphanet 636965, MedGen C1842160, MONDO:0008409, OMIM 608358.
Cardiomyopathy (CMYO). Also called: Cardiomyopathies. Identifiers: Orphanet 167848, MedGen C0878544, MONDO:0004994, HP:0001638. Inheritance: Various modes of inheritance.
MYH7-related skeletal myopathy. Also called: Myopathy, distal, 1; Laing distal myopathy; MYOPATHY, DISTAL, EARLY-ONSET, AUTOSOMAL DOMINANT; MYOPATHY, LATE DISTAL HEREDITARY; Laing early-onset distal myopathy. Identifiers: Orphanet 59135, MedGen C4552004, MONDO:0008050, OMIM 160500.
Hypertrophic cardiomyopathy 1 (CMH1). Also called: Familial hypertrophic cardiomyopathy 1; MYH7-Related Familial Hypertrophic Cardiomyopathy. Identifiers: MedGen C3495498, MONDO:0008647, OMIM 192600.
Hypertrophic cardiomyopathy. Also called: HYPERTROPHIC MYOCARDIOPATHY. Identifiers: Orphanet 217569, MedGen C0007194, MeSH D002312, MONDO:0005045, HP:0001639.

Allele frequency attached by ClinVar (database versions not stated): 1000 Genomes Project 30x 0.00047; 1000 Genomes Project 0.00060.
gnomAD v4.1: 67 of 1,609,270 alleles (0.0042%); highest among the groups gnomAD compares: East Asian, 0.085%; no homozygotes.

Submissions (11):

Labcorp Genetics (formerly Invitae), Labcorp
Classification: Likely benign for Hypertrophic cardiomyopathy. Last evaluated: 2025-12-09. Review status: criteria provided, single submitter. Criteria: Invitae Variant Classification Sherloc (09022015). Collection method: clinical testing. Allele origin: germline.

Molecular Diagnostic Laboratory for Inherited Cardiovascular Disease, Montreal Heart Institute
Classification: Likely benign. Last evaluated: 2025-04-09. Review status: criteria provided, single submitter. Criteria: ACMG Guidelines, 2015. Collection method: clinical testing. Allele origin: germline. Affected: no.
Comment: BP7

Blueprint Genetics
Classification: Likely benign. Last evaluated: 2024-01-17. Review status: criteria provided, single submitter. Criteria: ACMG Guidelines, 2015. Collection method: clinical testing. Allele origin: germline.

All of Us Research Program, National Institutes of Health
Classification: Likely benign for Cardiomyopathy. Last evaluated: 2023-12-14. Review status: criteria provided, single submitter. Criteria: ACMG Guidelines, 2015. Collection method: clinical testing. Allele origin: germline. Inheritance: Autosomal dominant inheritance. Observed: 10 variant alleles, 10 heterozygotes.
Comment: This study involves interpretation of variants in research participants for the purpose of population health screening. Participant phenotype was not available at the time of variant classification. Additional details can be found in publication PMID: 35346344, PMCID: PMC8962531

Women's Health and Genetics/Laboratory Corporation of America, LabCorp
Classification: Likely benign. Last evaluated: 2022-03-05. Review status: criteria provided, single submitter. Criteria: LabCorp Variant Classification Summary - May 2015. Collection method: clinical testing. Allele origin: germline.

Ambry Genetics
Classification: Likely benign for Cardiovascular phenotype. Last evaluated: 2020-01-15. Review status: criteria provided, single submitter. Criteria: Ambry Variant Classification Scheme 2023. Collection method: clinical testing. Allele origin: germline.

Color Diagnostics, LLC DBA Color Health
Classification: Likely benign for Cardiomyopathy. Last evaluated: 2018-08-17. Review status: criteria provided, single submitter. Criteria: ACMG Guidelines, 2015. Collection method: clinical testing. Allele origin: germline.

Illumina Laboratory Services, Illumina
Classification: Benign for MYH7-related skeletal myopathy. Last evaluated: 2018-01-13. Review status: criteria provided, single submitter. Criteria: ICSL Variant Classification Criteria 13 December 2019. Collection method: clinical testing. Allele origin: germline.
Comment: This variant was observed in the ICSL laboratory as part of a predisposition screen in an ostensibly healthy population. It had not been previously curated by ICSL or reported in the Human Gene Mutation Database (HGMD: prior to June 1st, 2018), and was therefore a candidate for classification through an automated scoring system. Utilizing variant allele frequency, disease prevalence and penetrance estimates, and inheritance mode, an automated score was calculated to assess if this variant is too frequent to cause the disease. Based on the score and internal cut-off values, a variant classified as benign is not then subjected to further curation. The score for this variant resulted in a classification of benign for this disease.

Illumina Laboratory Services, Illumina
Classification: Uncertain significance for Hypertrophic cardiomyopathy 1. Last evaluated: 2018-01-13. Review status: criteria provided, single submitter. Criteria: ICSL Variant Classification Criteria 13 December 2019. Collection method: clinical testing. Allele origin: germline.

Illumina Laboratory Services, Illumina
Classification: Uncertain significance for Myosin storage myopathy. Last evaluated: 2018-01-13. Review status: criteria provided, single submitter. Criteria: ICSL Variant Classification Criteria 13 December 2019. Collection method: clinical testing. Allele origin: germline.

GeneDx
Classification: Benign. Last evaluated: 2014-02-12. Review status: criteria provided, single submitter. Criteria: GeneDx Variant Classification (06012015). Collection method: clinical testing. Allele origin: germline. Affected: yes.
Comment: This variant is considered likely benign or benign based on one or more of the following criteria: it is a conservative change, it occurs at a poorly conserved position in the protein, it is predicted to be benign by multiple in silico algorithms, and/or has population frequency not consistent with disease.